The following is an entry in ClinVar:

ClinVar aggregate classification (germline): Uncertain significance (1 of 4 stars; one submission).

Allele frequency attached by ClinVar (database versions not stated): gnomAD exomes below 0.00001.
gnomAD v4.1: 1 of 1,611,736 alleles (0.000062%); highest among the groups gnomAD compares: Non-Finnish European, 0.000085%; no homozygotes.

Submission:

GeneDx
Classification: Uncertain significance. Last evaluated: 2022-02-07. Review status: criteria provided, single submitter. Criteria: GeneDx Variant Classification Process June 2021. Collection method: clinical testing. Allele origin: germline. Affected: yes.
Comment: Not observed at significant frequency in large population cohorts (gnomAD); In silico analysis supports that this missense variant does not alter protein structure/function; Has not been previously published as pathogenic or benign to our knowledge; Variants in candidate genes are classified as variants of uncertain significance in accordance with ACMG guidelines (Richards et al., 2015)

NM_001039111.3(TRIM71):c.1906T>C (p.Cys636Arg)

Gene: TRIM71 (tripartite motif containing 71; plus strand). Cytogenetic location: 3p22.3.
Variant type: single nucleotide variant.
Coding change: c.1906T>C on transcript NM_001039111.3 (MANE Select); coding-DNA position 1906, T replaced by C.
Protein change: p.Cys636Arg; replaces cysteine 636 with arginine.
Molecular consequence: missense variant.
Genome position (GRCh38, 1-based): chr3:32,891,110, T>C. VCF-style: chr3-32891110-T-C. GRCh37 (hg19) VCF-style: chr3-32932602-T-C.
Other names: short protein forms C636R.
Identifiers: ClinVar variation 1700296 (VCV001700296.2), dbSNP rs2125693638, ClinGen allele CA351990501.